The following is an entry in ClinVar:

ClinVar aggregate classification (germline): Pathogenic (1 of 4 stars; one submission).

Submission:

Labcorp Genetics (formerly Invitae), Labcorp
Classification: Pathogenic. Last evaluated: 2023-02-03. Review status: criteria provided, single submitter. Criteria: Invitae Variant Classification Sherloc (09022015). Collection method: clinical testing. Allele origin: germline.
Comment: This sequence change affects the initiator methionine of the MOCS2A mRNA. There are no downstream in-frame methionine residues; therefore, it is expected to result in an absent or disrupted protein product. Loss-of-function variants in MOCS2A are known to be pathogenic (PMID: 21031595). This variant is not present in population databases (gnomAD no frequency). Disruption of the initiator codon has been observed in individuals with molybdenum cofactor deficiency (PMID: 10053004, 27146152, 27289259). Studies have shown that disruption of the initiator codon alters MOCS2A gene expression (PMID: 10053003). For these reasons, this variant has been classified as Pathogenic.

Literature cited by the submitters: PubMed 21031595; PubMed 10053004; PubMed 27146152; PubMed 27289259; PubMed 10053003.

NM_176806.4(MOCS2):c.3G>T (p.Met1Ile)

Genes: MOCS2 (molybdenum cofactor synthesis 2; minus strand), LOC129993881 (ATAC-STARR-seq lymphoblastoid silent region 16005; plus strand). Cytogenetic location: 5q11.2.
Variant type: single nucleotide variant.
Coding change: c.3G>T on transcript NM_176806.4 (MANE Plus Clinical); coding-DNA position 3, G replaced by T.
Protein change: p.Met1Ile; changes the start codon (methionine 1).
Molecular consequence: missense variant, initiator codon variant. On other transcripts: 5 prime UTR variant (1).
Genome position (GRCh38, 1-based): chr5:53,109,727, C>A on the plus strand (G>T on the coding strand, the complement: MOCS2 is on the minus strand). VCF-style: chr5-53109727-C-A. GRCh37 (hg19) VCF-style: chr5-52405557-C-A.
Other names: c.-646G>T (NM_004531.5); c.-185G>T (NM_183418.1); short protein forms M1I.
Identifiers: ClinVar variation 2834251 (VCV002834251.3), dbSNP rs1273139451, ClinGen allele CA359694276.